The following is an entry in ClinVar:

ClinVar aggregate classification (germline): Likely benign. Review status: criteria provided, multiple submitters, no conflicts (2 of 4 stars). 2 submissions from 2 submitters: Likely benign (2). Last evaluated 2025-06-03.

Conditions:
Renal cell carcinoma. Identifiers: Orphanet 217071, MedGen C0007134, MeSH D002292, MONDO:0005086, HP:0005584.
Papillary renal cell carcinoma type 1 (RCCP1). Also called: Renal adenocarcinoma; Renal cell carcinoma 1; Renal cell carcinoma, somatic; RENAL CELL CARCINOMA, PAPILLARY, 1, SOMATIC. Identifiers: Orphanet 47044, MedGen C1336839, OMIM 605074, HP:0011797.

gnomAD v4.1: 7 of 1,613,904 alleles (0.00043%); highest among the groups gnomAD compares: African/African-American, 0.0093%; no homozygotes.

Submissions (2):

Labcorp Genetics (formerly Invitae), Labcorp
Classification: Likely benign for Renal cell carcinoma. Last evaluated: 2025-06-03. Review status: criteria provided, single submitter. Criteria: Invitae Variant Classification Sherloc (09022015). Collection method: clinical testing. Allele origin: germline.

Myriad Genetics, Inc.
Classification: Likely benign for Papillary renal cell carcinoma type 1. Last evaluated: 2024-11-07. Review status: criteria provided, single submitter. Criteria: Myriad Autosomal Dominant, Autosomal Recessive and X-Linked Classification Criteria (2023). Collection method: clinical testing. Allele origin: unknown.
Comment: This variant is considered likely benign. This variant is intronic and is not expected to impact mRNA splicing.

NM_000245.4(MET):c.1528-6T>C

Gene: MET (MET proto-oncogene, receptor tyrosine kinase; plus strand). Cytogenetic location: 7q31.2.
Variant type: single nucleotide variant.
Coding change: c.1528-6T>C on transcript NM_000245.4 (MANE Select); 6 bases into the intron before coding-DNA position 1528, T replaced by C.
Molecular consequence: intron variant.
Genome position (GRCh38, 1-based): chr7:116,740,846, T>C. VCF-style: chr7-116740846-T-C. GRCh37 (hg19) VCF-style: chr7-116380900-T-C.
Other names: c.1528-6T>C (NM_001127500.3, NM_001324401.3); c.238-6T>C (NM_001324402.2).
Identifiers: ClinVar variation 3773031 (VCV003773031.2).